The following is an entry in ClinVar:

NM_177400.3(NKX6-2):c.589C>T (p.Gln197Ter)

Gene: NKX6-2 (NK6 homeobox 2; minus strand). Cytogenetic location: 10q26.3.
Variant type: single nucleotide variant.
Coding change: c.589C>T on transcript NM_177400.3 (MANE Select); coding-DNA position 589, C replaced by T.
Protein change: p.Gln197Ter; replaces glutamine 197 with a stop codon.
Molecular consequence: nonsense.
Genome position (GRCh38, 1-based): chr10:132,785,161, G>A on the plus strand (C>T on the coding strand, the complement: NKX6-2 is on the minus strand). VCF-style: chr10-132785161-G-A. GRCh37 (hg19) VCF-style: chr10-134598665-G-A.
Other names: short protein forms Q197*.
Identifiers: ClinVar variation 627616 (VCV000627616.8), dbSNP rs1565019976, ClinGen allele CA378769371.

ClinVar aggregate classification (germline): Likely pathogenic. Review status: criteria provided, single submitter (1 of 4 stars). 4 submissions from 4 submitters: Likely pathogenic (1). 3 of the submissions do not count toward it. Last evaluated 2023-11-14.

Conditions:
Spastic ataxia 8, autosomal recessive, with hypomyelinating leukodystrophy (SPAX8). Identifiers: Orphanet 527497, MedGen C4479653, MONDO:0033043, OMIM 617560.

Submissions (4):

Labcorp Genetics (formerly Invitae), Labcorp
Classification: Likely pathogenic. Last evaluated: 2023-11-14. Review status: criteria provided, single submitter. Criteria: Invitae Variant Classification Sherloc (09022015). Collection method: clinical testing. Allele origin: germline.
Comment: This sequence change creates a premature translational stop signal (p.Gln197*) in the NKX6-2 gene. While this is not anticipated to result in nonsense mediated decay, it is expected to disrupt the last 81 amino acid(s) of the NKX6-2 protein. This variant is not present in population databases (gnomAD no frequency). This premature translational stop signal has been observed in individual(s) with hypomyelinating leukodystrophy (PMID: 28969374). It has also been observed to segregate with disease in related individuals. ClinVar contains an entry for this variant (Variation ID: 627616). This variant disrupts the C-terminus of the NKX6-2 protein. Other variant(s) that disrupt this region (p.Trp203*) have been observed in individuals with NKX6-2-related conditions (PMID: 29388673). This suggests that this may be a clinically significant region of the protein. In summary, the currently available evidence indicates that the variant is pathogenic, but additional data are needed to prove that conclusively. Therefore, this variant has been classified as Likely Pathogenic.

OMIM
Classification: Pathogenic for SPASTIC ATAXIA 8, AUTOSOMAL RECESSIVE, WITH HYPOMYELINATING LEUKODYSTROPHY. Last evaluated: 2024-05-22. Review status: no assertion criteria provided. Collection method: literature only. Allele origin: germline. Not counted in ClinVar's aggregate classification.

Yale Center for Mendelian Genomics, Yale University
Classification: Pathogenic for Spastic ataxia 8, autosomal recessive, with hypomyelinating leukodystrophy. Last evaluated: 2020-02-27. Review status: no assertion criteria provided. Collection method: literature only. Allele origin: germline. Affected: yes. Observed: 1 compound heterozygote. Study: Yale Center for Mendelian Genomics. Not counted in ClinVar's aggregate classification.

GeneReviews
No classification provided. Condition: Spastic ataxia 8, autosomal recessive, with hypomyelinating leukodystrophy. Review status: no classification provided. Collection method: literature only. Allele origin: germline. Not counted in ClinVar's aggregate classification.

Literature cited by the submitters: PubMed 28969374 (cited by Labcorp Genetics (formerly Invitae), Labcorp and OMIM); PubMed 29388673 (cited by Labcorp Genetics (formerly Invitae), Labcorp); PubMed 31509304 (cited by Yale Center for Mendelian Genomics, Yale University); NCBI Bookshelf NBK531509 (cited by GeneReviews); PubMed 30285346 (cited by GeneReviews).